The following is an entry in ClinVar:

ClinVar aggregate classification (germline): Uncertain significance (1 of 4 stars; one submission).

Allele frequency attached by ClinVar (database versions not stated): gnomAD 0.00001; TOPMed 0.00002; ESP Exome Variant Server 0.00008.

Submission:

Labcorp Genetics (formerly Invitae), Labcorp
Classification: Uncertain significance. Last evaluated: 2024-05-28. Review status: criteria provided, single submitter. Criteria: Invitae Variant Classification Sherloc (09022015). Collection method: clinical testing. Allele origin: germline.
Comment: This sequence change creates a premature translational stop signal (p.Ala391Glyfs*9) in the LRRC8A gene. It is expected to result in an absent or disrupted protein product. However, the current clinical and genetic evidence is not sufficient to establish whether loss-of-function variants in LRRC8A cause disease. This variant is not present in population databases (gnomAD no frequency). This variant has not been reported in the literature in individuals affected with LRRC8A-related conditions. In summary, the available evidence is currently insufficient to determine the role of this variant in disease. Therefore, it has been classified as a Variant of Uncertain Significance.

NM_019594.4(LRRC8A):c.1171dup (p.Ala391fs)

Gene: LRRC8A (leucine rich repeat containing 8 VRAC subunit A; plus strand). Cytogenetic location: 9q34.11.
Variant type: Duplication.
Coding change: c.1171dup on transcript NM_019594.4 (MANE Select); coding-DNA position 1171, one base duplicated (G; older notation c.1171dupG).
Protein change: p.Ala391fs; shifts the reading frame from alanine 391.
Molecular consequence: frameshift variant.
Genome position (GRCh38, 1-based): chr9:128,908,335, G duplicated. VCF-style (leftmost placement, unchanged base first): chr9-128908334-C-CG. GRCh37 (hg19) VCF-style: chr9-131670613-C-CG.
Other names: c.1171dup, p.Ala391fs (NM_001127244.2, NM_001127245.2); short protein forms A391fs.
Identifiers: ClinVar variation 2723793 (VCV002723793.3), dbSNP rs926260359, ClinGen allele CA200415577.